The following is an entry in ClinVar:

ClinVar aggregate classification (germline): Uncertain significance. Review status: criteria provided, multiple submitters, no conflicts (2 of 4 stars). 2 submissions from 2 submitters: Uncertain significance (2). Last evaluated 2025-03-28.

Conditions:
PSTPIP1-related disorder. Also called: PSTPIP1-related condition.
Pyogenic arthritis-pyoderma gangrenosum-acne syndrome (PAPA). Also called: FAMILIAL RECURRENT ARTHRITIS; PAPA SYNDROME. Identifiers: Orphanet 69126, MedGen C1858361, MONDO:0011462, OMIM 604416.

gnomAD v4.1: 4 of 1,612,260 alleles (0.00025%); highest among the groups gnomAD compares: Admixed American, 0.0067%; no homozygotes.

Submissions (2):

PreventionGenetics, part of Exact Sciences
Classification: Uncertain significance for PSTPIP1-related condition. Last evaluated: 2025-03-28. Review status: criteria provided, single submitter. Criteria: ACMG Guidelines, 2015. Collection method: clinical testing. Allele origin: germline.
Comment: The PSTPIP1 c.565C>G variant is predicted to result in the amino acid substitution p.Arg189Gly. To our knowledge, this variant has not been reported in the literature. This variant is reported in 0.0058% of alleles in individuals of Latino descent in gnomAD. At this time, the clinical significance of this variant is uncertain due to the absence of conclusive functional and genetic evidence.

Labcorp Genetics (formerly Invitae), Labcorp
Classification: Uncertain significance for Pyogenic arthritis-pyoderma gangrenosum-acne syndrome. Last evaluated: 2025-02-11. Review status: criteria provided, single submitter. Criteria: Invitae Variant Classification Sherloc (09022015). Collection method: clinical testing. Allele origin: germline.
Comment: This sequence change replaces arginine, which is basic and polar, with glycine, which is neutral and non-polar, at codon 189 of the PSTPIP1 protein (p.Arg189Gly). This variant is present in population databases (no rsID available, gnomAD 0.006%). This variant has not been reported in the literature in individuals affected with PSTPIP1-related conditions. An algorithm developed to predict the effect of missense changes on protein structure and function (PolyPhen-2) suggests that this variant is likely to be tolerated. In summary, the available evidence is currently insufficient to determine the role of this variant in disease. Therefore, it has been classified as a Variant of Uncertain Significance.

NM_003978.5(PSTPIP1):c.565C>G (p.Arg189Gly)

Gene: PSTPIP1 (proline-serine-threonine phosphatase interacting protein 1; plus strand). Cytogenetic location: 15q24.3.
Variant type: single nucleotide variant.
Coding change: c.565C>G on transcript NM_003978.5 (MANE Select); coding-DNA position 565, C replaced by G.
Protein change: p.Arg189Gly; replaces arginine 189 with glycine.
Molecular consequence: missense variant.
Genome position (GRCh38, 1-based): chr15:77,030,504, C>G. VCF-style: chr15-77030504-C-G. GRCh37 (hg19) VCF-style: chr15-77322845-C-G.
Other names: c.565C>G (NM_003978.4); c.565C>G, p.Arg189Gly (NM_001321135.2, NM_001411086.1); c.538C>G, p.Arg180Gly (NM_001321136.2); c.760C>G, p.Arg254Gly (NM_001321137.1); short protein forms R180G, R189G, R254G.
Identifiers: ClinVar variation 3716980 (VCV003716980.3).
Genomic context (GRCh38, chr15:77,030,504, plus strand): 5'-AGTACAGGGGTGGAGGAGCTCGTGTCAGGGCCCTCCCTGAGGCTGCCTGCGCTTTCAGAG[C>G]GGGTATACAGGCAGAGCATTGCGCAGCTGGAGAAGGTCCGGGCTGAGTGGGAGCAGGAGC-3'
Protein context (NP_003969.2, residues 179-199): QCKDSATEAE[Arg189Gly]VYRQSIAQLE